The following is an entry in ClinVar:

NM_152415.3(VPS37A):c.350A>G (p.Gln117Arg)

Gene: VPS37A (VPS37A subunit of ESCRT-I; plus strand). Cytogenetic location: 8p22.
Variant type: single nucleotide variant.
Coding change: c.350A>G on transcript NM_152415.3 (MANE Select); coding-DNA position 350, A replaced by G.
Protein change: p.Gln117Arg; replaces glutamine 117 with arginine.
Molecular consequence: missense variant.
Genome position (GRCh38, 1-based): chr8:17,268,890, A>G. VCF-style: chr8-17268890-A-G. GRCh37 (hg19) VCF-style: chr8-17126399-A-G.
Other names: c.275A>G, p.Gln92Arg (NM_001145152.2); c.350A>G, p.Gln117Arg (NM_001363167.1, NM_001363173.2); c.80A>G, p.Gln27Arg (NM_001363168.1, NM_001363169.1, NM_001363170.1 and 2 more transcripts); short protein forms Q117R, Q27R, Q92R.
Identifiers: ClinVar variation 3673417 (VCV003673417.2).

ClinVar aggregate classification (germline): Uncertain significance (1 of 4 stars; one submission).

Conditions:
Hereditary spastic paraplegia 53. Also called: Spastic paraplegia 53, autosomal recessive. Identifiers: Orphanet 319199, MedGen C3539494, MONDO:0013962, OMIM 614898.

gnomAD v4.1: 9 of 1,610,094 alleles (0.00056%); highest among the groups gnomAD compares: Non-Finnish European, 0.00068%; no homozygotes.

Submission:

Labcorp Genetics (formerly Invitae), Labcorp
Classification: Uncertain significance for Hereditary spastic paraplegia 53. Last evaluated: 2024-07-19. Review status: criteria provided, single submitter. Criteria: Invitae Variant Classification Sherloc (09022015). Collection method: clinical testing. Allele origin: germline.
Comment: This sequence change replaces glutamine, which is neutral and polar, with arginine, which is basic and polar, at codon 117 of the VPS37A protein (p.Gln117Arg). This variant is present in population databases (rs377492801, gnomAD 0.004%). This variant has not been reported in the literature in individuals affected with VPS37A-related conditions. Advanced modeling of protein sequence and biophysical properties (such as structural, functional, and spatial information, amino acid conservation, physicochemical variation, residue mobility, and thermodynamic stability) performed at Invitae indicates that this missense variant is not expected to disrupt VPS37A protein function with a negative predictive value of 80%. In summary, the available evidence is currently insufficient to determine the role of this variant in disease. Therefore, it has been classified as a Variant of Uncertain Significance.